The following is an entry in ClinVar:

NM_002878.4(RAD51D):c.346-1G>C

Genes: RAD51D (RAD51 paralog D; minus strand), RAD51L3-RFFL (RAD51L3-RFFL readthrough; minus strand). Cytogenetic location: 17q12.
Variant type: single nucleotide variant.
Coding change: c.346-1G>C on transcript NM_002878.4 (MANE Select); the canonical splice acceptor site of the intron before coding-DNA position 346, G replaced by C.
Molecular consequence: splice acceptor variant. On other transcripts: intron variant (1).
Genome position (GRCh38, 1-based): chr17:35,107,123, C>G on the plus strand (G>C on the coding strand, the complement: RAD51D is on the minus strand). VCF-style: chr17-35107123-C-G. GRCh37 (hg19) VCF-style: chr17-33434142-C-G.
Other names: c.145-642G>C (NM_133629.3); c.406-1G>C (NM_001142571.2).
Identifiers: ClinVar variation 484788 (VCV000484788.16), dbSNP rs1555568386, ClinGen allele CA399089412.

ClinVar aggregate classification (germline): Pathogenic/Likely pathogenic. Review status: criteria provided, multiple submitters, no conflicts (2 of 4 stars). 5 submissions from 5 submitters: Pathogenic (1); Likely pathogenic (4). Last evaluated 2026-06-09.

Conditions:
Hereditary breast ovarian cancer syndrome. Also called: Hereditary breast and ovarian cancer syndrome; BRCA1- and BRCA2-Associated Hereditary Breast and Ovarian Cancer; Hereditary breast and ovarian cancer syndrome (HBOC); Hereditary breast and/or ovarian cancer syndrome; Hereditary breast and ovarian cancer; Breast and ovarian cancer. Identifiers: Orphanet 145, MedGen C0677776, MeSH D061325, MONDO:0003582. Disease mechanism: loss of function.
Breast-ovarian cancer, familial, susceptibility to, 4. Identifiers: Orphanet 145, MedGen C3280345, MONDO:0013669, OMIM 614291.
Hereditary cancer-predisposing syndrome. Also called: Hereditary Cancer Syndrome; Neoplastic Syndromes, Hereditary; Tumor predisposition; Hereditary neoplastic syndrome. Identifiers: Orphanet 140162, MedGen C0027672, MeSH D009386, MONDO:0015356.

Submissions (5):

German Consortium for Hereditary Breast and Ovarian Cancer, University Hospital Cologne
Classification: Likely pathogenic for Hereditary breast ovarian cancer syndrome. Last evaluated: 2026-06-09. Review status: criteria provided, single submitter. Criteria: ACMG SVI. Collection method: curation. Allele origin: germline.
Comment: This classification follows the ACMG SVI adaptation classification scheme; We chose these criteria: PVS1 (very strong pathogenic): spliceAI: Acceptor Loss nativ 0.98 (-1 bp) [Donor Loss 0.30 (-135 bp); Acceptor Gain 0.52 (-20 bp)]; alternative acceptor splice site 20 bp downstream frameshift and NMD expected, PM2 (supporting pathogenic): nicht in gnomAD v4

Ambry Genetics
Classification: Likely pathogenic for Hereditary cancer-predisposing syndrome. Last evaluated: 2025-06-12. Review status: criteria provided, single submitter. Criteria: Ambry Variant Classification Scheme 2023. Collection method: clinical testing. Allele origin: germline.
Comment: The c.346-1G>C intronic variant results from a G to C substitution one nucleotide upstream from coding exon 5 of the RAD51D gene. This nucleotide position is highly conserved in available vertebrate species. In silico splice site analysis predicts that this alteration will weaken the native splice acceptor site and will result in the creation or strengthening of a novel splice acceptor site. Alterations that disrupt the canonical splice site are expected to cause aberrant splicing, resulting in an abnormal protein or a transcript that is subject to nonsense-mediated mRNA decay. As such, this alteration is classified as likely pathogenic.

Labcorp Genetics (formerly Invitae), Labcorp
Classification: Likely pathogenic for Breast-ovarian cancer, familial, susceptibility to, 4. Last evaluated: 2025-06-02. Review status: criteria provided, single submitter. Criteria: Invitae Variant Classification Sherloc (09022015). Collection method: clinical testing. Allele origin: germline.
Comment: This sequence change affects an acceptor splice site in intron 4 of the RAD51D gene. It is expected to disrupt RNA splicing. Variants that disrupt the donor or acceptor splice site typically lead to a loss of protein function (PMID: 16199547), and loss-of-function variants in RAD51D are known to be pathogenic (PMID: 21822267). This variant is not present in population databases (gnomAD no frequency). This variant has not been reported in the literature in individuals affected with RAD51D-related conditions. ClinVar contains an entry for this variant (Variation ID: 484788). Algorithms developed to predict the effect of sequence changes on RNA splicing suggest that this variant may disrupt the consensus splice site. In summary, the currently available evidence indicates that the variant is pathogenic, but additional data are needed to prove that conclusively. Therefore, this variant has been classified as Likely Pathogenic.

Myriad Genetics, Inc.
Classification: Likely pathogenic for Breast-ovarian cancer, familial, susceptibility to, 4. Last evaluated: 2024-01-04. Review status: criteria provided, single submitter. Criteria: Myriad Autosomal Dominant, Autosomal Recessive and X-Linked Classification Criteria (2023). Collection method: clinical testing. Allele origin: unknown.
Comment: This variant is considered likely pathogenic. This variant occurs within a consensus splice junction and is predicted to result in abnormal mRNA splicing of either an out-of-frame exon or an in-frame exon necessary for protein stability and/or normal function.

Institute of Human Genetics, University of Leipzig Medical Center
Classification: Pathogenic for Breast-ovarian cancer, familial, susceptibility to, 4. Last evaluated: 2023-05-16. Review status: criteria provided, single submitter. Criteria: ACMG Guidelines, 2015. Collection method: clinical testing. Allele origin: paternal. Inheritance: Autosomal dominant inheritance. Affected: yes.
Comment: Criteria applied: PVS1,PS4_MOD,PM2_SUP

Literature cited by the submitters: PubMed 16199547 (cited by Labcorp Genetics (formerly Invitae), Labcorp); PubMed 21822267 (cited by Labcorp Genetics (formerly Invitae), Labcorp).